The following is an entry in ClinVar:

NM_030962.4(SBF2):c.4809C>T (p.His1603=)

Genes: SBF2 (SET binding factor 2; minus strand), SBF2-AS1 (SBF2 antisense RNA 1; plus strand), LOC105369149 (uncharacterized LOC105369149; plus strand). Cytogenetic location: 11p15.4.
Variant type: single nucleotide variant.
Coding change: c.4809C>T on transcript NM_030962.4 (MANE Select); coding-DNA position 4809, C replaced by T.
Protein change: p.His1603=; no amino-acid change (histidine 1603 retained).
Molecular consequence: synonymous variant.
Genome position (GRCh38, 1-based): chr11:9,789,232, G>A on the plus strand (C>T on the coding strand, the complement: SBF2 is on the minus strand). VCF-style: chr11-9789232-G-A. GRCh37 (hg19) VCF-style: chr11-9810779-G-A.
Other names: p.His1603=; c.4905C>T, p.His1635= (NM_001386339.1); c.4680C>T, p.His1560= (NM_001386342.1).
Identifiers: ClinVar variation 476935 (VCV000476935.20), dbSNP rs199670153, ClinGen allele CA5880886.

ClinVar aggregate classification (germline): Likely benign. Review status: criteria provided, multiple submitters, no conflicts (2 of 4 stars). 7 submissions from 7 submitters: Likely benign (7). Last evaluated 2026-01-19.

Conditions:
Charcot-Marie-Tooth disease type 4. Also called: Charcot-Marie-Tooth, Type 4; Charcot-Marie-Tooth disease, type IV. Identifiers: Orphanet 64749, MedGen C4082197, MONDO:0018995.
Inborn genetic diseases. Identifiers: MedGen C0950123, MeSH D030342.
Charcot-Marie-Tooth disease. Also called: Charcot-Marie-Tooth Neuropathy; Charcot-Marie-Tooth Hereditary Neuropathy. Identifiers: Orphanet 166, MedGen C0007959, MONDO:0015626.

Allele frequency attached by ClinVar (database versions not stated): gnomAD 0.00010; TOPMed 0.00010; ESP Exome Variant Server 0.00015; 1000 Genomes Project 30x 0.00016; 1000 Genomes Project 0.00020; ExAC 0.00040.
gnomAD v4.1: 333 of 1,614,214 alleles (0.021%); highest among the groups gnomAD compares: South Asian, 0.22%; 2 homozygotes.

Submissions (7):

Labcorp Genetics (formerly Invitae), Labcorp
Classification: Likely benign for Charcot-Marie-Tooth disease type 4. Last evaluated: 2026-01-19. Review status: criteria provided, single submitter. Criteria: Invitae Variant Classification Sherloc (09022015). Collection method: clinical testing. Allele origin: germline.

Mayo Clinic Laboratories, Mayo Clinic
Classification: Likely benign. Last evaluated: 2025-08-22. Review status: criteria provided, single submitter. Criteria: ACMG Guidelines, 2015. Collection method: clinical testing. Allele origin: germline. Observed: 1 variant allele.
Comment: BS1, BP4, BP7

Blueprint Genetics
Classification: Likely benign. Last evaluated: 2024-11-11. Review status: criteria provided, single submitter. Criteria: ACMG Guidelines, 2015. Collection method: clinical testing. Allele origin: germline.

GeneDx
Classification: Likely benign. Last evaluated: 2021-06-18. Review status: criteria provided, single submitter. Criteria: GeneDx Variant Classification Process June 2021. Collection method: clinical testing. Allele origin: germline. Affected: yes.

Ambry Genetics
Classification: Likely benign for Inborn genetic diseases. Last evaluated: 2019-07-11. Review status: criteria provided, single submitter. Criteria: Ambry Variant Classification Scheme 2023. Collection method: clinical testing. Allele origin: germline.

Breakthrough Genomics
Classification: Likely benign. Review status: criteria provided, single submitter. Criteria: ACMG Guidelines, 2015. Collection method: not provided. Allele origin: germline. Inheritance: Autosomal recessive inheritance. Affected: yes.

Molecular Genetics Laboratory, London Health Sciences Centre
Classification: Likely benign for Charcot-Marie-Tooth disease. Review status: criteria provided, single submitter. Criteria: ACMG Guidelines, 2015. Collection method: clinical testing. Allele origin: germline. Affected: yes.